The following is an entry in ClinVar:

NM_006208.3(ENPP1):c.1723+5G>A

Gene: ENPP1 (ectonucleotide pyrophosphatase/phosphodiesterase 1; plus strand). Cytogenetic location: 6q23.2.
Variant type: single nucleotide variant.
Coding change: c.1723+5G>A on transcript NM_006208.3 (MANE Select); 5 bases into the intron after coding-DNA position 1723, G replaced by A.
Molecular consequence: intron variant.
Genome position (GRCh38, 1-based): chr6:131,875,868, G>A. VCF-style: chr6-131875868-G-A. GRCh37 (hg19) VCF-style: chr6-132197008-G-A.
Identifiers: ClinVar variation 3647002 (VCV003647002.2).

ClinVar aggregate classification (germline): Uncertain significance (1 of 4 stars; one submission).

gnomAD v4.1: 3 of 1,603,940 alleles (0.00019%); highest among the groups gnomAD compares: Non-Finnish European, 0.00026%; no homozygotes.

Submission:

Labcorp Genetics (formerly Invitae), Labcorp
Classification: Uncertain significance. Last evaluated: 2024-08-21. Review status: criteria provided, single submitter. Criteria: Invitae Variant Classification Sherloc (09022015). Collection method: clinical testing. Allele origin: germline.
Comment: This sequence change falls in intron 17 of the ENPP1 gene. It does not directly change the encoded amino acid sequence of the ENPP1 protein. It affects a nucleotide within the consensus splice site. This variant is present in population databases (rs768404668, gnomAD 0.0009%). This variant has not been reported in the literature in individuals affected with ENPP1-related conditions. Variants that disrupt the consensus splice site are a relatively common cause of aberrant splicing (PMID: 17576681, 9536098). Algorithms developed to predict the effect of sequence changes on RNA splicing suggest that this variant may disrupt the consensus splice site. In summary, the available evidence is currently insufficient to determine the role of this variant in disease. Therefore, it has been classified as a Variant of Uncertain Significance.

Literature cited by the submitters: PubMed 17576681; PubMed 9536098.